The following is an entry in ClinVar:

ClinVar aggregate classification (germline): Benign/Likely benign. Review status: criteria provided, multiple submitters, no conflicts (2 of 4 stars). 15 submissions from 12 submitters: Benign (5); Likely benign (7). 3 of the submissions do not count toward it. Last evaluated 2026-03-27.

Conditions:
TTN-related disorder. Also called: TTN-related condition; TTN-related disease; TTN-related disorders.
Autosomal recessive limb-girdle muscular dystrophy type 2J (LGMDR10). Also called: Limb-girdle muscular dystrophy, type 2J; MUSCULAR DYSTROPHY, LIMB-GIRDLE, AUTOSOMAL RECESSIVE 10. Identifiers: Orphanet 140922, MedGen C1837342, MONDO:0012127, OMIM 608807.
Dilated cardiomyopathy 1G (CMD1G). Identifiers: Orphanet 154, MedGen C1858763, MONDO:0011400, OMIM 604145.
Cardiovascular phenotype. Identifiers: MedGen CN230736.
Cardiomyopathy (CMYO). Also called: Cardiomyopathies. Identifiers: Orphanet 167848, MedGen C0878544, MONDO:0004994, HP:0001638. Inheritance: Various modes of inheritance.
Early-onset myopathy with fatal cardiomyopathy (CMYO5). Also called: Salih Myopathy; CONGENITAL MYOPATHY 5 WITH CARDIOMYOPATHY. Identifiers: Orphanet 289377, MedGen C2673677, MONDO:0012714, OMIM 611705. Disease mechanism: loss of function.
Myopathy, myofibrillar, 9, with early respiratory failure (MFM9). Also called: EDSTROM MYOPATHY; MYOPATHY, PROXIMAL, WITH EARLY RESPIRATORY MUSCLE INVOLVEMENT; Myopathy, distal, with early respiratory failure, autosomal dominant; Hereditary myopathy with early respiratory failure. Identifiers: Orphanet 178464, Orphanet 34521, MedGen C1863599, MONDO:0011362, OMIM 603689.
Tibial muscular dystrophy (TMD). Also called: Tibial muscular dystrophy, tardive; UDD MYOPATHY; Udd Distal Myopathy – Tibial Muscular Dystrophy. Identifiers: Orphanet 609, MedGen C1838244, MONDO:0010870, OMIM 600334.

Allele frequency attached by ClinVar (database versions not stated): gnomAD 0.00001 and 0.00015; TOPMed 0.00008; gnomAD exomes 0.00027 and 0.00057; ExAC 0.00064; 1000 Genomes Project 0.00140; 1000 Genomes Project 30x 0.00141.
gnomAD v4.1: 409 of 1,613,470 alleles (0.025%); highest among the groups gnomAD compares: South Asian, 0.41%; 4 homozygotes.

Submissions (15):

Molecular Diagnostic Laboratory for Inherited Cardiovascular Disease, Montreal Heart Institute
Classification: Likely benign. Last evaluated: 2026-03-27. Review status: criteria provided, single submitter. Criteria: ACMG Guidelines, 2015. Collection method: clinical testing. Allele origin: germline. Affected: no.
Comment: BS1;BP1

Labcorp Genetics (formerly Invitae), Labcorp
Classification: Likely benign for Dilated cardiomyopathy 1G; Autosomal recessive limb-girdle muscular dystrophy type 2J. Last evaluated: 2026-02-01. Review status: criteria provided, single submitter. Criteria: Invitae Variant Classification Sherloc (09022015). Collection method: clinical testing. Allele origin: germline.

CeGaT Center for Human Genetics Tuebingen
Classification: Likely benign. Last evaluated: 2026-01-01. Review status: criteria provided, single submitter. Criteria: CeGaT Center For Human Genetics Tuebingen Variant Classification Criteria Version 2. Collection method: clinical testing. Allele origin: germline. Affected: yes. Observed: 2 variant alleles.
Comment: TTN: BS2

Women's Health and Genetics/Laboratory Corporation of America, LabCorp
Classification: Likely benign. Last evaluated: 2023-08-19. Review status: criteria provided, single submitter. Criteria: LabCorp Variant Classification Summary - May 2015. Collection method: clinical testing. Allele origin: germline.

Genome-Nilou Lab
Classification: Benign for Autosomal recessive limb-girdle muscular dystrophy type 2J. Last evaluated: 2021-09-10. Review status: criteria provided, single submitter. Criteria: ACMG Guidelines, 2015. Collection method: clinical testing. Allele origin: germline. Affected: no.

Genome-Nilou Lab
Classification: Benign for Myopathy, myofibrillar, 9, with early respiratory failure. Last evaluated: 2021-09-10. Review status: criteria provided, single submitter. Criteria: ACMG Guidelines, 2015. Collection method: clinical testing. Allele origin: germline. Affected: no.

Genome-Nilou Lab
Classification: Benign for Early-onset myopathy with fatal cardiomyopathy. Last evaluated: 2021-09-10. Review status: criteria provided, single submitter. Criteria: ACMG Guidelines, 2015. Collection method: clinical testing. Allele origin: germline. Affected: no.

Genome-Nilou Lab
Classification: Benign for Tibial muscular dystrophy. Last evaluated: 2021-09-10. Review status: criteria provided, single submitter. Criteria: ACMG Guidelines, 2015. Collection method: clinical testing. Allele origin: germline. Affected: no.

Ambry Genetics
Classification: Likely benign for Cardiovascular phenotype. Last evaluated: 2019-12-23. Review status: criteria provided, single submitter. Criteria: Ambry Variant Classification Scheme 2023. Collection method: clinical testing. Allele origin: germline.

CHEO Genetics Diagnostic Laboratory, Children's Hospital of Eastern Ontario
Classification: Benign for Cardiomyopathy. Last evaluated: 2018-02-28. Review status: criteria provided, single submitter. Criteria: ACMG Guidelines, 2015. Collection method: clinical testing. Allele origin: germline.

GeneDx
Classification: Likely benign. Last evaluated: 2017-06-20. Review status: criteria provided, single submitter. Criteria: GeneDx Variant Classification (06012015). Collection method: clinical testing. Allele origin: germline. Affected: yes.
Comment: This variant is considered likely benign or benign based on one or more of the following criteria: it is a conservative change, it occurs at a poorly conserved position in the protein, it is predicted to be benign by multiple in silico algorithms, and/or has population frequency not consistent with disease.

Eurofins Ntd Llc (ga)
Classification: Likely benign. Last evaluated: 2015-09-10. Review status: criteria provided, single submitter. Criteria: EGL Classification Definitions 2015. Collection method: clinical testing. Allele origin: germline. Observed: 1 variant allele, 1 heterozygote.

PreventionGenetics, part of Exact Sciences
Classification: Likely benign for TTN-related condition. Last evaluated: 2022-06-13. Review status: no assertion criteria provided. Collection method: clinical testing. Allele origin: germline. Not counted in ClinVar's aggregate classification.
Comment: This variant is classified as likely benign based on ACMG/AMP sequence variant interpretation guidelines (Richards et al. 2015 PMID: 25741868, with internal and published modifications).

Clinical Genetics, Academic Medical Center
Classification: Likely benign. Review status: no assertion criteria provided. Collection method: clinical testing. Allele origin: germline. Affected: yes. Study: VKGL Data-share Consensus. Not counted in ClinVar's aggregate classification.

Laboratory of Diagnostic Genome Analysis, Leiden University Medical Center (LUMC)
Classification: Likely benign. Review status: no assertion criteria provided. Collection method: clinical testing. Allele origin: germline. Affected: yes. Study: VKGL Data-share Consensus. Not counted in ClinVar's aggregate classification.

NM_001267550.2(TTN):c.74965G>A (p.Val24989Met)

Genes: TTN (titin; minus strand), TTN-AS1 (TTN antisense RNA 1; plus strand). Cytogenetic location: 2q31.2.
Variant type: single nucleotide variant.
Coding change: c.74965G>A on transcript NM_001267550.2 (MANE Select); coding-DNA position 74965, G replaced by A.
Protein change: p.Val24989Met; replaces valine 24989 with methionine.
Molecular consequence: missense variant.
Genome position (GRCh38, 1-based): chr2:178,571,167, C>T on the plus strand (G>A on the coding strand, the complement: TTN is on the minus strand). VCF-style: chr2-178571167-C-T. GRCh37 (hg19) VCF-style: chr2-179435894-C-T.
Other names: p.V23348M:GTG>ATG; c.70042G>A, p.Val23348Met (NM_001256850.1); c.47770G>A, p.Val15924Met (NM_003319.4); c.67261G>A, p.Val22421Met (NM_133378.4); c.48145G>A, p.Val16049Met (NM_133432.3); c.48346G>A, p.Val16116Met (NM_133437.4); short protein forms V23348M, V24989M, V22421M, V15924M, V16116M, V16049M.
Identifiers: ClinVar variation 202858 (VCV000202858.48), dbSNP rs567800207, ClinGen allele CA310502.